The following is an entry in ClinVar:

ClinVar aggregate classification (germline): Pathogenic. Review status: reviewed by expert panel (3 of 4 stars). 6 submissions from 6 submitters: Pathogenic (1). 5 of the submissions do not count toward it. Last evaluated 2017-03-17.

Conditions:
Bronchiectasis with or without elevated sweat chloride 1 (BESC1). Also called: Cystic Fibrosis-Like Syndrome. Identifiers: Orphanet 60033, MedGen C2749757, MONDO:0008887, OMIM 211400.
CFTR-related disorder (CFTR-RD). Also called: CFTR-related disorders; CFTR-related condition. Identifiers: MedGen C5924204, MONDO:7770004.
Cystic fibrosis (CF). Also called: MUCOVISCIDOSIS. Identifiers: Orphanet 586, MedGen C0010674, MONDO:0009061, OMIM 219700. Disease mechanism: loss of function.

Allele frequency attached by ClinVar (database versions not stated): gnomAD exomes below 0.00001.

Submissions (6):

CFTR2
Classification: Pathogenic for Cystic fibrosis. Last evaluated: 2017-03-17. Review status: reviewed by expert panel. Criteria: Sosnay PR et al. (Nat Genet 2013). Collection method: research. Allele origin: germline. Affected: yes. Study: CFTR2.

Natera, Inc.
Classification: Pathogenic for CFTR-related disorders. Last evaluated: 2025-12-15. Review status: criteria provided, single submitter. Criteria: Natera Variant Classification Schema (03/2026). Collection method: clinical testing. Allele origin: germline. Not counted in ClinVar's aggregate classification.
Comment: The c.3988C>T variant in CFTR is a nonsense variant predicted to introduce a stop codon at amino acid 1330. This variant is expected to result in nonsense mediated decay, truncation, or a dysfunctional protein product. This variant is rare in the general population with a frequency below the threshold expected for the associated phenotype(s). This variant has been observed in one or more individuals affected with the associated recessive disease, as either homozygous or compound heterozygous with a second variant (PMID: 25242226). Given the available evidence, this variant is classified as Pathogenic.

GeneDx
Classification: Pathogenic. Last evaluated: 2024-10-09. Review status: criteria provided, single submitter. Criteria: GeneDx Variant Classification Process June 2021. Collection method: clinical testing. Allele origin: germline. Affected: yes. Not counted in ClinVar's aggregate classification.
Comment: Observed in an individual with cystic fibrosis with no information on whether other CFTR variants were also identified (PMID: 26708955); Nonsense variant predicted to result in protein truncation or nonsense mediated decay in a gene for which loss of function is a known mechanism of disease; Not observed at significant frequency in large population cohorts (gnomAD); This variant is associated with the following publications: (PMID: 26708955)

Baylor Genetics
Classification: Likely pathogenic for Bronchiectasis with or without elevated sweat chloride 1. Last evaluated: 2023-08-23. Review status: criteria provided, single submitter. Criteria: ACMG Guidelines, 2015. Collection method: clinical testing. Allele origin: unknown. Not counted in ClinVar's aggregate classification.

Ambry Genetics
Classification: Pathogenic for Cystic fibrosis. Last evaluated: 2023-06-06. Review status: criteria provided, single submitter. Criteria: Ambry Variant Classification Scheme 2023. Collection method: clinical testing. Allele origin: germline. Not counted in ClinVar's aggregate classification.
Comment: The p.Q1330* pathogenic mutation (also known as c.3988C>T), located in coding exon 25 of the CFTR gene, results from a C to T substitution at nucleotide position 3988. This changes the amino acid from a glutamine to a stop codon within coding exon 25. This mutation was identified in one individual with cystic fibrosis; however, complete genotype and phenotype information was not provided (Schrijver I et al. J Mol Diagn, 2016 Jan;18:39-50). In addition to the clinical data presented in the literature, this alteration is expected to result in loss of function by premature protein truncation or nonsense-mediated mRNA decay. As such, this alteration is interpreted as a disease-causing mutation.

Labcorp Genetics (formerly Invitae), Labcorp
Classification: Pathogenic for Cystic fibrosis. Last evaluated: 2023-03-18. Review status: criteria provided, single submitter. Criteria: Invitae Variant Classification Sherloc (09022015). Collection method: clinical testing. Allele origin: germline. Not counted in ClinVar's aggregate classification.
Comment: This sequence change creates a premature translational stop signal (p.Gln1330*) in the CFTR gene. It is expected to result in an absent or disrupted protein product. Loss-of-function variants in CFTR are known to be pathogenic (PMID: 1695717, 7691345, 9725922). This variant is not present in population databases (gnomAD no frequency). This premature translational stop signal has been observed in individual(s) with CFTR-related conditions (PMID: 26708955). ClinVar contains an entry for this variant (Variation ID: 487390). Algorithms developed to predict the effect of sequence changes on RNA splicing suggest that this variant may disrupt the consensus splice site. For these reasons, this variant has been classified as Pathogenic.

Literature cited by the submitters: PubMed 25242226 (cited by Natera, Inc.); PubMed 26708955 (cited by Ambry Genetics and Labcorp Genetics (formerly Invitae), Labcorp); PubMed 1695717 (cited by Labcorp Genetics (formerly Invitae), Labcorp); PubMed 7691345 (cited by Labcorp Genetics (formerly Invitae), Labcorp); PubMed 9725922 (cited by Labcorp Genetics (formerly Invitae), Labcorp).

NM_000492.4(CFTR):c.3988C>T (p.Gln1330Ter)

Gene: CFTR (CF transmembrane conductance regulator; plus strand). Cytogenetic location: 7q31.2.
Variant type: single nucleotide variant.
Coding change: c.3988C>T on transcript NM_000492.4 (MANE Select); coding-DNA position 3988, C replaced by T.
Protein change: p.Gln1330Ter; replaces glutamine 1330 with a stop codon.
Molecular consequence: nonsense.
Genome position (GRCh38, 1-based): chr7:117,664,712, C>T. VCF-style: chr7-117664712-C-T. GRCh37 (hg19) VCF-style: chr7-117304766-C-T.
Other names: short protein forms Q1330*.
Identifiers: ClinVar variation 487390 (VCV000487390.12), dbSNP rs375661578, ClinGen allele CA368981990.
Genomic context (GRCh38, chr7:117,664,712, plus strand): 5'-ACTCTGTGGTATCTGAACTATCTTCTCTAACTGCAGGTTGGGCTCAGATCTGTGATAGAA[C>T]AGTTTCCTGGGAAGCTTGACTTTGTCCTTGTGGATGGGGGCTGTGTCCTAAGCCATGGCC-3'